The following is an entry in ClinVar:

NM_001013838.3(CARMIL2):c.1253C>T (p.Pro418Leu)

Gene: CARMIL2 (capping protein regulator and myosin 1 linker 2; plus strand). Cytogenetic location: 16q22.1.
Variant type: single nucleotide variant.
Coding change: c.1253C>T on transcript NM_001013838.3 (MANE Select); coding-DNA position 1253, C replaced by T.
Protein change: p.Pro418Leu; replaces proline 418 with leucine.
Molecular consequence: missense variant. On other transcripts: intron variant (1).
Genome position (GRCh38, 1-based): chr16:67,648,233, C>T. VCF-style: chr16-67648233-C-T. GRCh37 (hg19) VCF-style: chr16-67682136-C-T.
Other names: c.1150-5C>T (NM_001317026.3); short protein forms P418L.
Identifiers: ClinVar variation 2122534 (VCV002122534.4), dbSNP rs756618104, ClinGen allele CA8113383.

ClinVar aggregate classification (germline): Uncertain significance (1 of 4 stars; one submission).

Allele frequency attached by ClinVar (database versions not stated): ExAC 0.00002.
gnomAD v4.1: 5 of 1,601,902 alleles (0.00031%); highest among the groups gnomAD compares: Admixed American, 0.0034%; no homozygotes.

Submission:

Labcorp Genetics (formerly Invitae), Labcorp
Classification: Uncertain significance. Last evaluated: 2022-04-07. Review status: criteria provided, single submitter. Criteria: Invitae Variant Classification Sherloc (09022015). Collection method: clinical testing. Allele origin: germline.
Comment: This sequence change replaces proline, which is neutral and non-polar, with leucine, which is neutral and non-polar, at codon 418 of the CARMIL2 protein (p.Pro418Leu). In summary, the available evidence is currently insufficient to determine the role of this variant in disease. Therefore, it has been classified as a Variant of Uncertain Significance. Algorithms developed to predict the effect of missense changes on protein structure and function output the following: SIFT: "Tolerated"; PolyPhen-2: "Benign"; Align-GVGD: "Class C0". The leucine amino acid residue is found in multiple mammalian species, which suggests that this missense change does not adversely affect protein function. This variant has not been reported in the literature in individuals affected with CARMIL2-related conditions. This variant is present in population databases (rs756618104, gnomAD 0.006%).